The following is an entry in ClinVar:

NM_001035.3(RYR2):c.10922T>C (p.Ile3641Thr)

Gene: RYR2 (ryanodine receptor 2; plus strand). Cytogenetic location: 1q43.
Variant type: single nucleotide variant.
Coding change: c.10922T>C on transcript NM_001035.3 (MANE Select); coding-DNA position 10922, T replaced by C.
Protein change: p.Ile3641Thr; replaces isoleucine 3641 with threonine.
Molecular consequence: missense variant.
Genome position (GRCh38, 1-based): chr1:237,730,343, T>C. VCF-style: chr1-237730343-T-C. GRCh37 (hg19) VCF-style: chr1-237893643-T-C.
Other names: c.10922T>C, p.Ile3641Thr (LRG_402t1); short protein forms I3641T.
Identifiers: ClinVar variation 404195 (VCV000404195.11), dbSNP rs1060500145, ClinGen allele CA16610050.

ClinVar aggregate classification (germline): Uncertain significance. Review status: criteria provided, multiple submitters, no conflicts (2 of 4 stars). 2 submissions from 2 submitters: Uncertain significance (2). Last evaluated 2024-03-06.

Conditions:
Cardiomyopathy (CMYO). Also called: Cardiomyopathies. Identifiers: Orphanet 167848, MedGen C0878544, MONDO:0004994, HP:0001638. Inheritance: Various modes of inheritance.
Catecholaminergic polymorphic ventricular tachycardia 1. Also called: VENTRICULAR TACHYCARDIA, CATECHOLAMINERGIC POLYMORPHIC, 1, WITH OR WITHOUT ATRIAL DYSFUNCTION AND/OR DILATED CARDIOMYOPATHY; RYR2-Related Catecholaminergic Polymorphic Ventricular Tachycardia; VENTRICULAR TACHYCARDIA, STRESS-INDUCED POLYMORPHIC 1. Identifiers: Orphanet 3286, MedGen C1631597, MONDO:0011484, OMIM 604772.

Submissions (2):

Color Diagnostics, LLC DBA Color Health
Classification: Uncertain significance for Cardiomyopathy. Last evaluated: 2024-03-06. Review status: criteria provided, single submitter. Criteria: ACMG Guidelines, 2015. Collection method: clinical testing. Allele origin: germline.
Comment: This missense variant replaces isoleucine with threonine at codon 3641 of the RYR2 protein. Computational prediction tool suggests that this variant may have deleterious impact on protein structure and function (internally defined REVEL score threshold >=0.7, PMID: 27666373). Splice site prediction tools suggest that this variant may not impact RNA splicing. To our knowledge, functional studies have not been performed for this variant. This variant has not been reported in individuals affected with cardiovascular disorders in the literature. This variant has not been identified in the general population by the Genome Aggregation Database (gnomAD). The available evidence is insufficient to determine the role of this variant in disease conclusively. Therefore, this variant is classified as a Variant of Uncertain Significance.

Labcorp Genetics (formerly Invitae), Labcorp
Classification: Uncertain significance for Catecholaminergic polymorphic ventricular tachycardia 1. Last evaluated: 2021-08-31. Review status: criteria provided, single submitter. Criteria: Invitae Variant Classification Sherloc (09022015). Collection method: clinical testing. Allele origin: germline.
Comment: This sequence change replaces isoleucine with threonine at codon 3641 of the RYR2 protein (p.Ile3641Thr). The isoleucine residue is highly conserved and there is a moderate physicochemical difference between isoleucine and threonine. This variant is not present in population databases (ExAC no frequency). This variant has not been reported in the literature in individuals affected with RYR2-related conditions. Algorithms developed to predict the effect of missense changes on protein structure and function (SIFT, PolyPhen-2, Align-GVGD) all suggest that this variant is likely to be disruptive. In summary, the available evidence is currently insufficient to determine the role of this variant in disease. Therefore, it has been classified as a Variant of Uncertain Significance.